The following is an entry in ClinVar:

NM_001184.4(ATR):c.4730G>T (p.Ser1577Ile)

Gene: ATR (ATR checkpoint kinase; minus strand). Cytogenetic location: 3q23.
Variant type: single nucleotide variant.
Coding change: c.4730G>T on transcript NM_001184.4 (MANE Select); coding-DNA position 4730, G replaced by T.
Protein change: p.Ser1577Ile; replaces serine 1577 with isoleucine.
Molecular consequence: missense variant.
Genome position (GRCh38, 1-based): chr3:142,512,382, C>A on the plus strand (G>T on the coding strand, the complement: ATR is on the minus strand). VCF-style: chr3-142512382-C-A. GRCh37 (hg19) VCF-style: chr3-142231224-C-A.
Other names: c.4538G>T, p.Ser1513Ile (NM_001354579.2); short protein forms S1513I, S1577I.
Identifiers: ClinVar variation 1006055 (VCV001006055.13), dbSNP rs140533205, ClinGen allele CA2649773.

ClinVar aggregate classification (germline): Uncertain significance. Review status: criteria provided, multiple submitters, no conflicts (2 of 4 stars). 7 submissions from 6 submitters: Uncertain significance (5). 2 of the submissions do not count toward it. Last evaluated 2025-12-31.

Conditions:
Familial cutaneous telangiectasia and oropharyngeal predisposition cancer syndrome. Identifiers: Orphanet 313846, MedGen C3281203, MONDO:0013806, OMIM 614564.
Inborn genetic diseases. Identifiers: MedGen C0950123, MeSH D030342.
Seckel syndrome 1 (SCKL1). Also called: MICROCEPHALIC PRIMORDIAL DWARFISM I. Identifiers: Orphanet 808, MedGen C4551474, MONDO:0008869, OMIM 210600.

Allele frequency attached by ClinVar (database versions not stated): gnomAD 0.00005 and 0.00006; gnomAD exomes 0.00006; TOPMed 0.00006; ExAC 0.00007; ESP Exome Variant Server 0.00015.

Submissions (7):

Labcorp Genetics (formerly Invitae), Labcorp
Classification: Uncertain significance. Last evaluated: 2025-12-31. Review status: criteria provided, single submitter. Criteria: Invitae Variant Classification Sherloc (09022015). Collection method: clinical testing. Allele origin: germline.
Comment: This sequence change replaces serine, which is neutral and polar, with isoleucine, which is neutral and non-polar, at codon 1577 of the ATR protein (p.Ser1577Ile). This variant is present in population databases (rs140533205, gnomAD 0.01%). This variant has not been reported in the literature in individuals affected with ATR-related conditions. ClinVar contains an entry for this variant (Variation ID: 1006055). An algorithm developed to predict the effect of missense changes on protein structure and function (PolyPhen-2) suggests that this variant is likely to be disruptive. In summary, the available evidence is currently insufficient to determine the role of this variant in disease. Therefore, it has been classified as a Variant of Uncertain Significance.

GeneDx
Classification: Uncertain significance. Last evaluated: 2024-12-31. Review status: criteria provided, single submitter. Criteria: GeneDx Variant Classification Process June 2021. Collection method: clinical testing. Allele origin: germline. Affected: yes.
Comment: Identified in the heterozygous state in a patient with rhabdomyosarcoma; this patient also harbored a germline pathogenic variant in the DICER1 gene (PMID: 39037077); Not observed at significant frequency in large population cohorts (gnomAD); In silico analysis supports that this missense variant has a deleterious effect on protein structure/function; In silico analysis suggests this variant may impact gene splicing. In the absence of RNA/functional studies, the actual effect of this sequence change is unknown.; This variant is associated with the following publications: (PMID: 39037077)

Genome-Nilou Lab
Classification: Uncertain significance for Seckel syndrome 1. Last evaluated: 2023-02-08. Review status: criteria provided, single submitter. Criteria: ACMG Guidelines, 2015. Collection method: clinical testing. Allele origin: germline.

Genome-Nilou Lab
Classification: Uncertain significance for Familial cutaneous telangiectasia and oropharyngeal predisposition cancer syndrome. Last evaluated: 2023-02-08. Review status: criteria provided, single submitter. Criteria: ACMG Guidelines, 2015. Collection method: clinical testing. Allele origin: germline.

Ambry Genetics
Classification: Uncertain significance for Inborn genetic diseases. Last evaluated: 2022-12-05. Review status: criteria provided, single submitter. Criteria: Ambry Variant Classification Scheme 2023. Collection method: clinical testing. Allele origin: germline.

Clinical Genetics DNA and cytogenetics Diagnostics Lab, Erasmus MC, Erasmus Medical Center
Classification: Uncertain significance. Review status: no assertion criteria provided. Collection method: clinical testing. Allele origin: germline. Affected: yes. Study: VKGL Data-share Consensus. Not counted in ClinVar's aggregate classification.

Diagnostic Laboratory, Department of Genetics, University Medical Center Groningen
Classification: Uncertain significance. Review status: no assertion criteria provided. Collection method: clinical testing. Allele origin: germline. Affected: yes. Study: VKGL Data-share Consensus. Not counted in ClinVar's aggregate classification.